The following is an entry in ClinVar:

NM_152743.4(BRAT1):c.530G>A (p.Arg177Gln)

Gene: BRAT1 (BRCA1 associated ATM activator 1; minus strand). Cytogenetic location: 7p22.3.
Variant type: single nucleotide variant.
Coding change: c.530G>A on transcript NM_152743.4 (MANE Select); coding-DNA position 530, G replaced by A.
Protein change: p.Arg177Gln; replaces arginine 177 with glutamine.
Molecular consequence: missense variant. On other transcripts: non-coding transcript variant (1).
Genome position (GRCh38, 1-based): chr7:2,543,863, C>T on the plus strand (G>A on the coding strand, the complement: BRAT1 is on the minus strand). VCF-style: chr7-2543863-C-T. GRCh37 (hg19) VCF-style: chr7-2583497-C-T.
Other names: c.530G>A, p.Arg177Gln (NM_001350626.2); c.5G>A, p.Arg2Gln (NM_001350627.2); short protein forms R177Q, R2Q.
Identifiers: ClinVar variation 1403728 (VCV001403728.6), dbSNP rs571634693, ClinGen allele CA366632299.
Genomic context (GRCh38, chr7:2,543,863, plus strand): 5'-TTCTGGGCACACGCGGGCCAGTCACCCCCCGGCAGGCAGGGCTGCCCCTCGGCTCCACCT[C>T]GCATGGACAAAGCCAGGACGTGCACCAGGAGCTGACTGGCCGCCGAGGCCACAAACAGGC-3'
Protein context (NP_689956.2, residues 167-187): LLVHVLALSM[Arg177Gln]GGAEGQPCLP

ClinVar aggregate classification (germline): Uncertain significance (1 of 4 stars; one submission).

Conditions:
Neonatal-onset encephalopathy with rigidity and seizures. Also called: Lethal neonatal spasticity-epileptic encephalopathy syndrome. Identifiers: Orphanet 435845, MedGen C3281029, MONDO:0013784, OMIM 614498.

gnomAD v4.1: 5 of 1,612,818 alleles (0.00031%); highest among the groups gnomAD compares: Non-Finnish European, 0.00034%; no homozygotes.

Submission:

Labcorp Genetics (formerly Invitae), Labcorp
Classification: Uncertain significance for Neonatal-onset encephalopathy with rigidity and seizures. Last evaluated: 2025-06-02. Review status: criteria provided, single submitter. Criteria: Invitae Variant Classification Sherloc (09022015). Collection method: clinical testing. Allele origin: germline.
Comment: This sequence change replaces arginine, which is basic and polar, with glutamine, which is neutral and polar, at codon 177 of the BRAT1 protein (p.Arg177Gln). This variant is not present in population databases (gnomAD no frequency). This variant has not been reported in the literature in individuals affected with BRAT1-related conditions. ClinVar contains an entry for this variant (Variation ID: 1403728). Invitae Evidence Modeling of protein sequence and biophysical properties (such as structural, functional, and spatial information, amino acid conservation, physicochemical variation, residue mobility, and thermodynamic stability) indicates that this missense variant is not expected to disrupt BRAT1 protein function with a negative predictive value of 95%. In summary, the available evidence is currently insufficient to determine the role of this variant in disease. Therefore, it has been classified as a Variant of Uncertain Significance.